The following is an entry in ClinVar:

ClinVar aggregate classification (germline): Likely pathogenic (1 of 4 stars; one submission).

Conditions:
Cardiac malformation, cleft lip/palate, microcephaly, and digital anomalies. Also called: CLEFT PALATE, CARDIAC DEFECTS, AND IMPAIRED INTELLECTUAL DEVELOPMENT. Identifiers: MedGen C1832950, MONDO:0010970, OMIM 600987.

Submission:

3billion
Classification: Likely pathogenic for Cardiac malformation, cleft lip/palate, microcephaly, and digital anomalies. Last evaluated: 2025-10-06. Review status: criteria provided, single submitter. Criteria: ACMG Guidelines, 2015. Collection method: clinical testing. Allele origin: germline. Affected: yes.
Comment: The variant is not observed in the gnomAD v4.1.0 dataset. Predicted Consequence/Location: Frameshift: predicted to result in a loss or disruption of normal protein function through nonsense-mediated decay (NMD) or protein truncation. Multiple pathogenic variants are reported downstream of the variant. Therefore, this variant is classified as Likely pathogenic according to the recommendation of ACMG/AMP guideline.

NM_170675.5(MEIS2):c.205dup (p.Val69fs)

Gene: MEIS2 (Meis homeobox 2; minus strand). Cytogenetic location: 15q14.
Variant type: Duplication.
Coding change: c.205dup on transcript NM_170675.5 (MANE Select); coding-DNA position 205, one base duplicated (G; older notation c.205dupG).
Protein change: p.Val69fs; shifts the reading frame from valine 69.
Molecular consequence: frameshift variant. On other transcripts: 5 prime UTR variant (1), non-coding transcript variant (1).
Genome position (GRCh38, 1-based): chr15:37,098,007, C duplicated on the plus strand (G on the coding strand, the reverse complement: MEIS2 is on the minus strand). VCF-style (leftmost placement, unchanged base first): chr15-37098006-A-AC. GRCh37 (hg19) VCF-style: chr15-37390207-A-AC.
Other names: c.205dup, p.Val69fs (NM_001220482.2, NM_170674.5, NM_170676.5 and 1 more transcripts); c.166dup, p.Val56fs (NM_002399.4, NM_172315.3); c.-37dup (NM_172316.3); short protein forms V56fs, V69fs.
Identifiers: ClinVar variation 4856162 (VCV004856162.1).